The following is an entry in ClinVar:

ClinVar aggregate classification (germline): Uncertain significance (1 of 4 stars; one submission).

Submission:

GeneDx
Classification: Uncertain significance. Last evaluated: 2024-01-24. Review status: criteria provided, single submitter. Criteria: GeneDx Variant Classification Process June 2021. Collection method: clinical testing. Allele origin: germline. Affected: yes.
Comment: Not observed at significant frequency in large population cohorts (gnomAD); Located in a region that tolerates variation and lacks pathogenic variants; Has not been previously published as pathogenic or benign to our knowledge

NM_032638.5(GATA2):c.-45G>T

Gene: GATA2 (GATA binding protein 2; minus strand). Cytogenetic location: 3q21.3.
Variant type: single nucleotide variant.
Coding change: c.-45G>T on transcript NM_032638.5 (MANE Select); 45 bases upstream of the start codon, G replaced by T.
Molecular consequence: 5 prime UTR variant.
Genome position (GRCh38, 1-based): chr3:128,487,076, C>A on the plus strand (G>T on the coding strand, the complement: GATA2 is on the minus strand). VCF-style: chr3-128487076-C-A. GRCh37 (hg19) VCF-style: chr3-128205919-C-A.
Other names: c.-45G>T (NM_001145661.2, NM_001145662.1).
Identifiers: ClinVar variation 3368194 (VCV003368194.1).